The following is an entry in ClinVar:

NM_001290403.2(TAL1):c.819C>T (p.Gly273=)

Gene: TAL1 (TAL bHLH transcription factor 1, erythroid differentiation factor; minus strand). Cytogenetic location: 1p33.
Variant type: single nucleotide variant.
Coding change: c.819C>T on transcript NM_001290403.2 (MANE Select); coding-DNA position 819, C replaced by T.
Protein change: p.Gly273=; no amino-acid change (glycine 273 retained).
Molecular consequence: synonymous variant.
Genome position (GRCh38, 1-based): chr1:47,219,897, G>A on the plus strand (C>T on the coding strand, the complement: TAL1 is on the minus strand). VCF-style: chr1-47219897-G-A. GRCh37 (hg19) VCF-style: chr1-47685569-G-A.
Other names: c.819C>T, p.Gly273= (NM_001287347.2, NM_001290404.1, NM_001290405.1 and 1 more transcripts); c.342C>T, p.Gly114= (NM_001290406.2).
Identifiers: ClinVar variation 3056122 (VCV003056122.2), dbSNP rs144117146, ClinGen allele CA841737.

ClinVar aggregate classification (germline): Benign (0 of 4 stars; one submission).

Conditions:
TAL1-related disorder. Also called: TAL1-related condition.

Allele frequency attached by ClinVar (database versions not stated): gnomAD exomes 0.04163; ESP Exome Variant Server 0.04831; gnomAD 0.04902; 1000 Genomes Project 0.05092; TOPMed 0.05186.
gnomAD v4.1: 63,936 of 1,507,692 alleles (4.2%); highest among the groups gnomAD compares: South Asian, 8.6%; 1,434 homozygotes.

Submission:

PreventionGenetics, part of Exact Sciences
Classification: Benign for TAL1-related condition. Last evaluated: 2019-09-24. Review status: no assertion criteria provided. Collection method: clinical testing. Allele origin: germline.
Comment: This variant is classified as benign based on ACMG/AMP sequence variant interpretation guidelines (Richards et al. 2015 PMID: 25741868, with internal and published modifications).